The following is an entry in ClinVar:

ClinVar aggregate classification (germline): Uncertain significance. Review status: criteria provided, multiple submitters, no conflicts (2 of 4 stars). 2 submissions from 2 submitters: Uncertain significance (2). Last evaluated 2025-08-13.

gnomAD v4.1: 271 of 1,607,584 alleles (0.017%); highest among the groups gnomAD compares: Non-Finnish European, 0.022%; no homozygotes.

Submissions (3):

Ambry Genetics
Classification: Uncertain significance. Last evaluated: 2025-08-13. Review status: criteria provided, single submitter. Criteria: Ambry Variant Classification Scheme 2023. Collection method: clinical testing. Allele origin: germline.

Labcorp Genetics (formerly Invitae), Labcorp
Classification: Uncertain significance. Last evaluated: 2025-03-13. Review status: criteria provided, single submitter. Criteria: Invitae Variant Classification Sherloc (09022015). Collection method: clinical testing. Allele origin: germline.
Comment: This sequence change replaces proline, which is neutral and non-polar, with glutamine, which is neutral and polar, at codon 844 of the MICAL1 protein (p.Pro844Gln). This variant is present in population databases (rs144451221, gnomAD 0.02%). This variant has not been reported in the literature in individuals affected with MICAL1-related conditions. ClinVar contains an entry for this variant (Variation ID: 2078452). An algorithm developed to predict the effect of missense changes on protein structure and function outputs the following: PolyPhen-2: "Benign". The glutamine amino acid residue is found in multiple mammalian species, which suggests that this missense change does not adversely affect protein function. Algorithms developed to predict the effect of sequence changes on RNA splicing suggest that this variant may create or strengthen a splice site. In summary, the available evidence is currently insufficient to determine the role of this variant in disease. Therefore, it has been classified as a Variant of Uncertain Significance.

Dr. Peter K. Rogan Lab, Western University
No classification provided (evidence only). Condition: Colon adenocarcinoma. Review status: no classification provided. Collection method: in vitro. Allele origin: not applicable. Functional consequence: retained intron. Not counted in ClinVar's aggregate classification.

NM_022765.4(MICAL1):c.2474C>A (p.Pro825Gln)

Gene: MICAL1 (microtubule associated monooxygenase, calponin and LIM domain containing 1; minus strand). Cytogenetic location: 6q21.
Variant type: single nucleotide variant.
Coding change: c.2474C>A on transcript NM_022765.4 (MANE Select); coding-DNA position 2474, C replaced by A.
Protein change: p.Pro825Gln; replaces proline 825 with glutamine.
Molecular consequence: missense variant.
Genome position (GRCh38, 1-based): chr6:109,446,243, G>T on the plus strand (C>A on the coding strand, the complement: MICAL1 is on the minus strand). VCF-style: chr6-109446243-G-T. GRCh37 (hg19) VCF-style: chr6-109767446-G-T.
Other names: c.2216C>A, p.Pro739Gln (NM_001159291.2); c.2531C>A, p.Pro844Gln (NM_001286613.2); short protein forms P825Q, P739Q, P844Q.
Identifiers: ClinVar variation 2078452 (VCV002078452.7), dbSNP rs144451221, ClinGen allele CA3952883.